The following is an entry in ClinVar:

NM_013275.6(ANKRD11):c.6871G>T (p.Glu2291Ter)

Gene: ANKRD11 (ankyrin repeat domain containing 11; minus strand). Cytogenetic location: 16q24.3.
Variant type: single nucleotide variant.
Coding change: c.6871G>T on transcript NM_013275.6 (MANE Select); coding-DNA position 6871, G replaced by T.
Protein change: p.Glu2291Ter; replaces glutamic acid 2291 with a stop codon.
Molecular consequence: nonsense.
Genome position (GRCh38, 1-based): chr16:89,279,671, C>A on the plus strand (G>T on the coding strand, the complement: ANKRD11 is on the minus strand). VCF-style: chr16-89279671-C-A. GRCh37 (hg19) VCF-style: chr16-89346079-C-A.
Other names: c.6871G>T, p.Glu2291Ter (NM_001256182.2, NM_001256183.2); short protein forms E2291*.
Identifiers: ClinVar variation 424512 (VCV000424512.4), dbSNP rs1064797012, ClinGen allele CA16620304.

ClinVar aggregate classification (germline): Pathogenic (1 of 4 stars; one submission).

Submission:

GeneDx
Classification: Pathogenic. Last evaluated: 2019-09-19. Review status: criteria provided, single submitter. Criteria: GeneDx Variant Classification Process June 2021. Collection method: clinical testing. Allele origin: germline. Affected: yes.
Comment: Nonsense variant predicted to result in protein truncation or nonsense mediated decay in a gene for which loss-of-function is a known mechanism of disease; Not observed in large population cohorts (Lek et al., 2016); Has not been previously published as pathogenic or benign to our knowledge